The following is an entry in ClinVar:

NM_000352.6(ABCC8):c.1553del (p.Phe518fs)

Gene: ABCC8 (ATP binding cassette subfamily C member 8; minus strand). Cytogenetic location: 11p15.1.
Variant type: Deletion.
Coding change: c.1553del on transcript NM_000352.6 (MANE Select); coding-DNA position 1553, one base deleted (T; older notation c.1553delT).
Protein change: p.Phe518fs; shifts the reading frame from phenylalanine 518.
Molecular consequence: frameshift variant. On other transcripts: non-coding transcript variant (1).
Genome position (GRCh38, 1-based): chr11:17,442,797, A deleted on the plus strand (T on the coding strand, the reverse complement: ABCC8 is on the minus strand); the first of 2 consecutive A bases (chr11:17,442,797-17,442,798); deleting either gives the same sequence. VCF-style (leftmost placement, unchanged base first): chr11-17442796-GA-G. GRCh37 (hg19) VCF-style: chr11-17464343-GA-G.
Other names: c.1553del, p.Phe518fs (NM_001287174.3, NM_001351295.2); c.1550del, p.Phe517fs (NM_001351296.2, NM_001351297.2); short protein forms F518fs, F517fs.
Identifiers: ClinVar variation 1353831 (VCV001353831.6), dbSNP rs2133595741, ClinGen allele CA2573146090.

ClinVar aggregate classification (germline): Pathogenic (1 of 4 stars; one submission).

Submission:

Labcorp Genetics (formerly Invitae), Labcorp
Classification: Pathogenic. Last evaluated: 2021-09-09. Review status: criteria provided, single submitter. Criteria: Invitae Variant Classification Sherloc (09022015). Collection method: clinical testing. Allele origin: germline.
Comment: For these reasons, this variant has been classified as Pathogenic. This variant has not been reported in the literature in individuals affected with ABCC8-related conditions. This sequence change creates a premature translational stop signal (p.Phe518Serfs*13) in the ABCC8 gene. It is expected to result in an absent or disrupted protein product. Loss-of-function variants in ABCC8 are known to be pathogenic (PMID: 20685672, 23345197). This variant is not present in population databases (ExAC no frequency).

Literature cited by the submitters: PubMed 20685672; PubMed 23345197.